The following is an entry in ClinVar:

ClinVar aggregate classification (germline): Uncertain significance (1 of 4 stars; one submission).

Allele frequency attached by ClinVar (database versions not stated): gnomAD exomes below 0.00001 and 0.00001; ExAC 0.00001; TOPMed 0.00001; gnomAD 0.00003.
gnomAD v4.1: 15 of 1,603,988 alleles (0.00094%); highest among the groups gnomAD compares: Middle Eastern, 0.017%; no homozygotes.

Submission:

Labcorp Genetics (formerly Invitae), Labcorp
Classification: Uncertain significance. Last evaluated: 2021-08-14. Review status: criteria provided, single submitter. Criteria: Invitae Variant Classification Sherloc (09022015). Collection method: clinical testing. Allele origin: germline.
Comment: This sequence change replaces alanine with valine at codon 920 of the TONSL protein (p.Ala920Val). The alanine residue is highly conserved and there is a small physicochemical difference between alanine and valine. This variant is present in population databases (rs762114163, ExAC 0.002%). This variant has not been reported in the literature in individuals affected with TONSL-related conditions. Algorithms developed to predict the effect of missense changes on protein structure and function output the following: SIFT: "Tolerated"; PolyPhen-2: "Benign"; Align-GVGD: "Class C0". The valine amino acid residue is found in multiple mammalian species, which suggests that this missense change does not adversely affect protein function. In summary, the available evidence is currently insufficient to determine the role of this variant in disease. Therefore, it has been classified as a Variant of Uncertain Significance.

NM_013432.5(TONSL):c.2759C>T (p.Ala920Val)

Genes: TONSL (tonsoku like, DNA repair protein; minus strand), TONSL-AS1 (TONSL antisense RNA 1; plus strand). Cytogenetic location: 8q24.3.
Variant type: single nucleotide variant.
Coding change: c.2759C>T on transcript NM_013432.5 (MANE Select); coding-DNA position 2759, C replaced by T.
Protein change: p.Ala920Val; replaces alanine 920 with valine.
Molecular consequence: missense variant.
Genome position (GRCh38, 1-based): chr8:144,435,674, G>A on the plus strand (C>T on the coding strand, the complement: TONSL is on the minus strand). VCF-style: chr8-144435674-G-A. GRCh37 (hg19) VCF-style: chr8-145661057-G-A.
Other names: short protein forms A920V.
Identifiers: ClinVar variation 1396102 (VCV001396102.5), dbSNP rs762114163, ClinGen allele CA4942741.